The following is an entry in ClinVar:

ClinVar aggregate classification (germline): Likely pathogenic. Review status: criteria provided, multiple submitters, no conflicts (2 of 4 stars). 2 submissions from 2 submitters: Likely pathogenic (2). Last evaluated 2024-06-07.

Conditions:
Mucopolysaccharidosis, MPS-II (MPS2). Also called: Hunter Syndrome; IDURONATE 2-SULFATASE DEFICIENCY; Mucopolysaccharidosis Type II; Mucopolysaccharidosis with skin involvement; IDS deficiency; Sulfoiduronate sulfatase deficiency. Identifiers: Orphanet 580, Orphanet 79388, MedGen C0026705, MONDO:0010674, OMIM 309900.

Submissions (2):

Laboratory of Diagnosis and Therapy of Lysosomal Disorders, University of Padova
Classification: Likely pathogenic for Mucopolysaccharidosis, MPS-II. Last evaluated: 2024-06-07. Review status: criteria provided, single submitter. Criteria: ACMG Guidelines, 2015. Collection method: literature only. Allele origin: germline. Affected: yes. Observed: 2 variant alleles.
Comment: Absent from controls (or at low frequency) in gnomAD database (PM2_Moderate), Protein length changes in a nonrepeat region or stop–loss variants (PM4_Strong), Multiple lines of computational evidence support a deleterious effect (PP3_Supporting), Patient’s phenotype or family history highly specific for the disease (PP4_Moderate)

Classification method: ACMG Guidelines [PMID:25741868] with modifications

Revvity Omics, Revvity
Classification: Likely pathogenic for Mucopolysaccharidosis, MPS-II. Last evaluated: 2022-08-26. Review status: criteria provided, single submitter. Criteria: ACMG Guidelines, 2015. Collection method: clinical testing. Allele origin: germline.

Literature cited by the submitters: PubMed 17391447 (cited by Laboratory of Diagnosis and Therapy of Lysosomal Disorders, University of Padova); PubMed 9950361 (cited by Laboratory of Diagnosis and Therapy of Lysosomal Disorders, University of Padova); PubMed 30639582 (cited by Laboratory of Diagnosis and Therapy of Lysosomal Disorders, University of Padova).

NM_000202.8(IDS):c.285_287del (p.Arg96del)

Gene: IDS (iduronate 2-sulfatase; minus strand). Cytogenetic location: Xq28.
Variant type: Deletion.
Coding change: c.285_287del on transcript NM_000202.8 (MANE Select); coding-DNA positions 285 to 287, 3 bases deleted (GAG; older notation c.285_287delGAG).
Protein change: p.Arg96del; deletes arginine 96.
Molecular consequence: inframe deletion. On other transcripts: non-coding transcript variant (1).
Genome position (GRCh38, 1-based): chrX:149,503,443-149,503,445, CTC deleted on the plus strand (GAG on the coding strand, the reverse complement: IDS is on the minus strand); deleting any 3 consecutive bases within chrX:149,503,443-149,503,447 gives the same sequence; the c. name uses the placement nearest the transcript's 3' end. VCF-style (leftmost placement, unchanged base first): chrX-149503442-TCTC-T. GRCh37 (hg19) VCF-style: chrX-148584972-TCTC-T.
Other names: c.285_287del, p.Arg96del (NM_006123.5); short protein forms R96del.
Identifiers: ClinVar variation 2440838 (VCV002440838.5), dbSNP rs2520896826, ClinGen allele CA2580101649.